The following is an entry in ClinVar:

ClinVar aggregate classification (germline): Uncertain significance (1 of 4 stars; one submission).

Conditions:
Hereditary breast ovarian cancer syndrome. Also called: Hereditary breast and/or ovarian cancer syndrome; Hereditary breast and ovarian cancer; Breast and ovarian cancer; Hereditary breast and ovarian cancer syndrome; Hereditary breast and ovarian cancer syndrome (HBOC); BRCA1- and BRCA2-Associated Hereditary Breast and Ovarian Cancer. Identifiers: Orphanet 145, MedGen C0677776, MeSH D061325, MONDO:0003582. Disease mechanism: loss of function.

Submission:

Labcorp Genetics (formerly Invitae), Labcorp
Classification: Uncertain significance for Hereditary breast ovarian cancer syndrome. Last evaluated: 2023-09-26. Review status: criteria provided, single submitter. Criteria: Invitae Variant Classification Sherloc (09022015). Collection method: clinical testing. Allele origin: germline.
Comment: This sequence change replaces leucine, which is neutral and non-polar, with phenylalanine, which is neutral and non-polar, at codon 29 of the BRCA2 protein (p.Leu29Phe). This variant is not present in population databases (gnomAD no frequency). This variant has not been reported in the literature in individuals affected with BRCA2-related conditions. Advanced modeling of protein sequence and biophysical properties (such as structural, functional, and spatial information, amino acid conservation, physicochemical variation, residue mobility, and thermodynamic stability) performed at Invitae indicates that this missense variant is not expected to disrupt BRCA2 protein function. In summary, the available evidence is currently insufficient to determine the role of this variant in disease. Therefore, it has been classified as a Variant of Uncertain Significance.

NM_000059.4(BRCA2):c.85C>T (p.Leu29Phe)

Gene: BRCA2 (BRCA2 DNA repair associated; plus strand). Cytogenetic location: 13q13.1.
Variant type: single nucleotide variant.
Coding change: c.85C>T on transcript NM_000059.4 (MANE Select); coding-DNA position 85, C replaced by T.
Protein change: p.Leu29Phe; replaces leucine 29 with phenylalanine.
Molecular consequence: missense variant.
Genome position (GRCh38, 1-based): chr13:32,319,094, C>T. VCF-style: chr13-32319094-C-T. GRCh37 (hg19) VCF-style: chr13-32893231-C-T.
Other names: c.85C>T, p.Leu29Phe (NM_001406719.1, NM_001406720.1, NM_001406721.1); c.-285C>T (NM_001406722.1); short protein forms L29F.
Identifiers: ClinVar variation 2575191 (VCV002575191.4), dbSNP rs1424422846, ClinGen allele CA387754078.